The following is an entry in ClinVar:

NM_152274.5(CCNQ):c.256C>A (p.Gln86Lys)

Gene: CCNQ (cyclin Q; minus strand). Cytogenetic location: Xq28.
Variant type: single nucleotide variant.
Coding change: c.256C>A on transcript NM_152274.5 (MANE Select); coding-DNA position 256, C replaced by A.
Protein change: p.Gln86Lys; replaces glutamine 86 with lysine.
Molecular consequence: missense variant.
Genome position (GRCh38, 1-based): chrX:153,596,044, G>T on the plus strand (C>A on the coding strand, the complement: CCNQ is on the minus strand). VCF-style: chrX-153596044-G-T. GRCh37 (hg19) VCF-style: chrX-152861502-G-T.
Other names: c.256C>A, p.Gln86Lys (NM_001130997.3); short protein forms Q86K.
Identifiers: ClinVar variation 4882252 (VCV004882252.2).

ClinVar aggregate classification (germline): Uncertain significance (1 of 4 stars; one submission).

Submission:

Dasa
Classification: Uncertain significance. Last evaluated: 2025-06-29. Review status: criteria provided, single submitter. Criteria: DASA Assertion Criteria. Collection method: clinical testing. Allele origin: germline.
Comment: NM_152274.5(CCNQ):c.256C>A (p.Gln86Lys) is a missense variant that results in the substitution of glutamine with lysine. This variant is absent from population databases. Computational prediction algorithms are consistent with a benign effect. The currently available literature and clinical evidence are not sufficient to establish a definitive association between this variant and the reported condition. Therefore, this variant is classified as a variant of uncertain significance.